The following is an entry in ClinVar:

ClinVar aggregate classification (germline): Uncertain significance (1 of 4 stars; one submission).

Conditions:
Joubert syndrome 23 (JBTS23). Identifiers: Orphanet 475, MedGen C4084822, MONDO:0014664, OMIM 616490.
Short-rib thoracic dysplasia 14 with polydactyly (SRTD14). Identifiers: Orphanet 397715, MedGen C4225286, MONDO:0014688, OMIM 616546.

Submission:

Labcorp Genetics (formerly Invitae), Labcorp
Classification: Uncertain significance for Joubert syndrome 23; Short-rib thoracic dysplasia 14 with polydactyly. Last evaluated: 2024-11-18. Review status: criteria provided, single submitter. Criteria: Invitae Variant Classification Sherloc (09022015). Collection method: clinical testing. Allele origin: germline.
Comment: This sequence change replaces leucine, which is neutral and non-polar, with proline, which is neutral and non-polar, at codon 416 of the KIAA0586 protein (p.Leu416Pro). This variant is not present in population databases (gnomAD no frequency). This variant has not been reported in the literature in individuals affected with KIAA0586-related conditions. ClinVar contains an entry for this variant (Variation ID: 2120909). Invitae Evidence Modeling of protein sequence and biophysical properties (such as structural, functional, and spatial information, amino acid conservation, physicochemical variation, residue mobility, and thermodynamic stability) indicates that this missense variant is not expected to disrupt KIAA0586 protein function with a negative predictive value of 80%. In summary, the available evidence is currently insufficient to determine the role of this variant in disease. Therefore, it has been classified as a Variant of Uncertain Significance.

NM_001329943.3(KIAA0586):c.1088T>C (p.Leu363Pro)

Gene: KIAA0586 (KIAA0586; plus strand). Cytogenetic location: 14q23.1.
Variant type: single nucleotide variant.
Coding change: c.1088T>C on transcript NM_001329943.3 (MANE Select); coding-DNA position 1088, T replaced by C.
Protein change: p.Leu363Pro; replaces leucine 363 with proline.
Molecular consequence: missense variant.
Genome position (GRCh38, 1-based): chr14:58,450,705, T>C. VCF-style: chr14-58450705-T-C. GRCh37 (hg19) VCF-style: chr14-58917423-T-C.
Other names: c.1247T>C, p.Leu416Pro (NM_001244189.2); c.1043T>C, p.Leu348Pro (NM_001244190.2); c.833T>C, p.Leu278Pro (NM_001244191.2, NM_001329945.2, NM_001364700.1 and 1 more transcripts); c.956T>C, p.Leu319Pro (NM_001244192.2); c.668T>C, p.Leu223Pro (NM_001244193.2); c.1088T>C, p.Leu363Pro (NM_001329944.2, NM_001329946.2, NM_001329947.2 and 1 more transcripts); short protein forms L319P, L416P, L363P, L223P, L278P, L348P.
Identifiers: ClinVar variation 2120909 (VCV002120909.4), dbSNP rs894030574, ClinGen allele CA261617913.
Genomic context (GRCh38, chr14:58,450,705, plus strand): 5'-CTCGCAGATTTGCTCCTGTACCTGTTTCAAGGGATGATGAACTATCAAAGAGGGAAAATC[T>C]TTTGGAAGAAAAAGAAAATATGGAAGTGTCGTGTCACAGAGGTAATAGAGACTTTTACTA-3'
Protein context (NP_001316872.1, residues 353-373): RDDELSKREN[Leu363Pro]LEEKENMEVS